The following is an entry in ClinVar:

NM_000834.5(GRIN2B):c.717C>T (p.Tyr239=)

Gene: GRIN2B (glutamate ionotropic receptor NMDA type subunit 2B; minus strand). Cytogenetic location: 12p13.1.
Variant type: single nucleotide variant.
Coding change: c.717C>T on transcript NM_000834.5 (MANE Select); coding-DNA position 717, C replaced by T.
Protein change: p.Tyr239=; no amino-acid change (tyrosine 239 retained).
Molecular consequence: synonymous variant.
Genome position (GRCh38, 1-based): chr12:13,753,610, G>A on the plus strand (C>T on the coding strand, the complement: GRIN2B is on the minus strand). VCF-style: chr12-13753610-G-A. GRCh37 (hg19) VCF-style: chr12-13906544-G-A.
Other names: c.717C>T (NM_000834.3).
Identifiers: ClinVar variation 1150932 (VCV001150932.10), dbSNP rs759323084, ClinGen allele CA233115891.

ClinVar aggregate classification (germline): Likely benign. Review status: criteria provided, multiple submitters, no conflicts (2 of 4 stars). 2 submissions from 2 submitters: Likely benign (2). Last evaluated 2025-09-14.

Conditions:
GRIN2B-related disorder. Also called: GRIN2B-related condition.
Intellectual developmental disorder, autosomal dominant 6, with or without seizures. Also called: Intellectual disability, autosomal dominant 6; GRIN2B-related developmental delay, intellectual disability and autism spectrum disorder. Identifiers: Orphanet 589547, MedGen C3151411, MONDO:0013509, OMIM 613970.
Developmental and epileptic encephalopathy, 27 (DEE27). Also called: Epileptic encephalopathy, early infantile, 27; GRIN2B-Related Neurodevelopmental Disorder. Identifiers: Orphanet 3451, MedGen C4015316, MONDO:0014505, OMIM 616139.

Allele frequency attached by ClinVar (database versions not stated): gnomAD 0.00001; TOPMed 0.00001; gnomAD exomes 0.00003.
gnomAD v4.1: 46 of 1,614,072 alleles (0.0028%); highest among the groups gnomAD compares: Non-Finnish European, 0.0037%; no homozygotes.

Submissions (2):

PreventionGenetics, part of Exact Sciences
Classification: Likely benign for GRIN2B-related condition. Last evaluated: 2025-09-14. Review status: criteria provided, single submitter. Criteria: ACMG Guidelines, 2015. Collection method: clinical testing. Allele origin: germline.
Comment: This variant is classified as likely benign based on ACMG/AMP sequence variant interpretation guidelines (Richards et al. 2015 PMID: 25741868, with internal and published modifications).

Labcorp Genetics (formerly Invitae), Labcorp
Classification: Likely benign for Developmental and epileptic encephalopathy, 27; Intellectual developmental disorder, autosomal dominant 6, with or without seizures. Last evaluated: 2024-12-12. Review status: criteria provided, single submitter. Criteria: Invitae Variant Classification Sherloc (09022015). Collection method: clinical testing. Allele origin: germline.